The following is an entry in ClinVar:

NC_000009.12:g.35657852C>T

Gene: RMRP (RNA component of mitochondrial RNA processing endoribonuclease; minus strand). Cytogenetic location: 9p13.3.
Variant type: single nucleotide variant.
Genome position: GRCh38 VCF-style: chr9-35657852-C-T. GRCh37 (hg19) VCF-style: chr9-35657849-C-T.
Identifiers: ClinVar variation 2420304 (VCV002420304.10), dbSNP rs530627656, ClinGen allele CA192745591.

ClinVar aggregate classification (germline): Uncertain significance (1 of 4 stars; one submission).

Conditions:
Anauxetic dysplasia. Identifiers: Orphanet 93347, MedGen C1846796, MONDO:0011773.

Allele frequency attached by ClinVar (database versions not stated): gnomAD 0.00004; gnomAD exomes 0.00004; TOPMed 0.00004; 1000 Genomes Project 0.00040; 1000 Genomes Project 30x 0.00047.
gnomAD v4.1: 28 of 693,846 alleles (0.004%); highest among the groups gnomAD compares: East Asian, 0.067%; no homozygotes.

Submission:

Labcorp Genetics (formerly Invitae), Labcorp
Classification: Uncertain significance for Anauxetic dysplasia. Last evaluated: 2024-08-08. Review status: criteria provided, single submitter. Criteria: Invitae Variant Classification Sherloc (09022015). Collection method: clinical testing. Allele origin: germline.
Comment: This variant occurs in the RMRP gene, which encodes an RNA molecule that does not result in a protein product. This variant is present in population databases (rs530627656, gnomAD 0.08%). This variant has not been reported in the literature in individuals affected with RMRP-related conditions. ClinVar contains an entry for this variant (Variation ID: 2420304). Experimental studies and prediction algorithms are not available or were not evaluated, and the functional significance of this variant is currently unknown. In summary, the available evidence is currently insufficient to determine the role of this variant in disease. Therefore, it has been classified as a Variant of Uncertain Significance.